The following is an entry in ClinVar:

ClinVar aggregate classification (germline): Uncertain significance (1 of 4 stars; one submission).

Conditions:
RASopathy. Also called: rasopathies; Noonan spectrum disorder. Identifiers: Orphanet 536391, MedGen C5555857, MONDO:0021060.

Allele frequency attached by ClinVar (database versions not stated): gnomAD 0.00001.
gnomAD v4.1: 1 of 1,613,960 alleles (0.000062%); highest among the groups gnomAD compares: South Asian, 0.0011%; no homozygotes.

Submission:

Labcorp Genetics (formerly Invitae), Labcorp
Classification: Uncertain significance for RASopathy. Last evaluated: 2024-05-06. Review status: criteria provided, single submitter. Criteria: Invitae Variant Classification Sherloc (09022015). Collection method: clinical testing. Allele origin: germline.
Comment: This sequence change replaces leucine, which is neutral and non-polar, with valine, which is neutral and non-polar, at codon 19 of the PTPN11 protein (p.Leu19Val). This variant is not present in population databases (gnomAD no frequency). This variant has not been reported in the literature in individuals affected with PTPN11-related conditions. Advanced modeling of protein sequence and biophysical properties (such as structural, functional, and spatial information, amino acid conservation, physicochemical variation, residue mobility, and thermodynamic stability) performed at Invitae indicates that this missense variant is expected to disrupt PTPN11 protein function with a positive predictive value of 95%. In summary, the available evidence is currently insufficient to determine the role of this variant in disease. Therefore, it has been classified as a Variant of Uncertain Significance.

NM_002834.5(PTPN11):c.55C>G (p.Leu19Val)

Gene: PTPN11 (protein tyrosine phosphatase non-receptor type 11; plus strand). Cytogenetic location: 12q24.13.
Variant type: single nucleotide variant.
Coding change: c.55C>G on transcript NM_002834.5 (MANE Select); coding-DNA position 55, C replaced by G.
Protein change: p.Leu19Val; replaces leucine 19 with valine.
Molecular consequence: missense variant.
Genome position (GRCh38, 1-based): chr12:112,446,316, C>G. VCF-style: chr12-112446316-C-G. GRCh37 (hg19) VCF-style: chr12-112884120-C-G.
Other names: c.55C>G, p.Leu19Val (NM_001330437.2, NM_001374625.1, NM_080601.3); short protein forms L19V.
Identifiers: ClinVar variation 2815206 (VCV002815206.3), dbSNP rs2037993841, ClinGen allele CA386776204.